The following is an entry in ClinVar:

NM_000618.5(IGF1):c.103del (p.Leu35fs)

Genes: IGF1 (insulin like growth factor 1; minus strand), LINC02456 (long independently transcribed non-coding RNA 2456; plus strand). Cytogenetic location: 12q23.2.
Variant type: Deletion.
Coding change: c.103del on transcript NM_000618.5 (MANE Select); coding-DNA position 103, one base deleted (C; older notation c.103delC).
Protein change: p.Leu35fs; shifts the reading frame from leucine 35.
Molecular consequence: frameshift variant.
Genome position (GRCh38, 1-based): chr12:102,475,760, G deleted on the plus strand (C on the coding strand, the reverse complement: IGF1 is on the minus strand); the first of 2 consecutive G bases (chr12:102,475,760-102,475,761); deleting either gives the same sequence. VCF-style (leftmost placement, unchanged base first): chr12-102475759-AG-A. GRCh37 (hg19) VCF-style: chr12-102869537-AG-A.
Other names: c.103del, p.Leu35fs (NM_001111283.3, NM_001111285.3, NM_001414005.1 and 1 more transcripts); c.55del, p.Leu19fs (NM_001111284.2, NM_001414006.1); short protein forms L19fs, L35fs.
Identifiers: ClinVar variation 2501580 (VCV002501580.3), dbSNP rs2499846981, ClinGen allele CA2580616844.

ClinVar aggregate classification (germline): Likely pathogenic (1 of 4 stars; one submission).

Submission:

GeneDx
Classification: Likely pathogenic. Last evaluated: 2026-09-19. Review status: criteria provided, single submitter. Criteria: GeneDx Variant Classification Process June 2021. Collection method: clinical testing. Allele origin: germline.
Comment: Frameshift variant predicted to result in protein truncation or nonsense mediated decay in a gene for which loss of function is a known mechanism of disease; Not observed at significant frequency in large population cohorts (gnomAD); Has not been previously published as pathogenic or benign to our knowledge